The following is an entry in ClinVar:

NM_006846.4(SPINK5):c.628C>T (p.Arg210Ter)

Gene: SPINK5 (serine peptidase inhibitor Kazal type 5; plus strand). Cytogenetic location: 5q32.
Variant type: single nucleotide variant.
Coding change: c.628C>T on transcript NM_006846.4 (MANE Select); coding-DNA position 628, C replaced by T.
Protein change: p.Arg210Ter; replaces arginine 210 with a stop codon.
Molecular consequence: nonsense.
Genome position (GRCh38, 1-based): chr5:148,091,190, C>T. VCF-style: chr5-148091190-C-T. GRCh37 (hg19) VCF-style: chr5-147470753-C-T.
Other names: c.628C>T, p.Arg210Ter (NM_001127698.2, NM_001127699.2); short protein forms R210*.
Identifiers: ClinVar variation 4747471 (VCV004747471.2).

ClinVar aggregate classification (germline): Pathogenic/Likely pathogenic. Review status: criteria provided, multiple submitters, no conflicts (2 of 4 stars). 2 submissions from 2 submitters: Pathogenic (1); Likely pathogenic (1). Last evaluated 2025-10-14.

Conditions:
Netherton syndrome (NETH). Also called: NETHERTON DISEASE; ERYTHRODERMA, ICHTHYOSIFORM, WITH HYPOTRICHOSIS AND HYPER-IgE; COMEL-NETHERTON SYNDROME. Identifiers: Orphanet 634, MedGen C5574950, MONDO:0009735, OMIM 256500.
Ichthyosis linearis circumflexa. Identifiers: MedGen C0265962, MONDO:0043106, HP:0025810.

gnomAD v4.1: 12 of 1,611,270 alleles (0.00074%); highest among the groups gnomAD compares: South Asian, 0.0044%; no homozygotes.

Submissions (2):

Laboratorio de Genetica e Diagnostico Molecular, Hospital Israelita Albert Einstein
Classification: Likely pathogenic for Netherton syndrome. Last evaluated: 2025-10-14. Review status: criteria provided, single submitter. Criteria: ACMG Guidelines, 2015. Collection method: clinical testing. Allele origin: germline. Affected: yes.
Comment: ACMG classification criteria: PVS1 very strong, PM2 supporting

Labcorp Genetics (formerly Invitae), Labcorp
Classification: Pathogenic for Ichthyosis linearis circumflexa. Last evaluated: 2025-09-04. Review status: criteria provided, single submitter. Criteria: Invitae Variant Classification Sherloc (09022015). Collection method: clinical testing. Allele origin: germline.
Comment: This sequence change creates a premature translational stop signal (p.Arg210*) in the SPINK5 gene. It is expected to result in an absent or disrupted protein product. Loss-of-function variants in SPINK5 are known to be pathogenic (PMID: 11511292, 11841556). This variant is present in population databases (rs535512727, gnomAD 0.01%). This premature translational stop signal has been observed in individual(s) with Netherton syndrome (PMID: 11841556). For these reasons, this variant has been classified as Pathogenic.

Literature cited by the submitters: PubMed 11511292 (cited by Labcorp Genetics (formerly Invitae), Labcorp); PubMed 11841556 (cited by Labcorp Genetics (formerly Invitae), Labcorp).